The following is an entry in ClinVar:

NM_000780.4(CYP7A1):c.908+6T>G

Gene: CYP7A1 (cytochrome P450 family 7 subfamily A member 1; minus strand). Cytogenetic location: 8q12.1.
Variant type: single nucleotide variant.
Coding change: c.908+6T>G on transcript NM_000780.4 (MANE Select); 6 bases into the intron after coding-DNA position 908, T replaced by G.
Molecular consequence: intron variant.
Genome position (GRCh38, 1-based): chr8:58,496,598, A>C on the plus strand (T>G on the coding strand, the complement: CYP7A1 is on the minus strand). VCF-style: chr8-58496598-A-C. GRCh37 (hg19) VCF-style: chr8-59409157-A-C.
Other names: c.908+6T>G (NM_000780.3).
Identifiers: ClinVar variation 596567 (VCV000596567.6), dbSNP rs373514835, ClinGen allele CA4756715.

ClinVar aggregate classification (germline): Conflicting classifications of pathogenicity. Review status: criteria provided, conflicting classifications (1 of 4 stars). 2 submissions from 2 submitters: Uncertain significance (1); Likely benign (1). Last evaluated 2025-08-13.

Conditions:
CYP7A1-related disorder. Also called: CYP7A1-related condition.

Allele frequency attached by ClinVar (database versions not stated): ExAC 0.00002; gnomAD 0.00002 and 0.00001; gnomAD exomes 0.00002 and 0.00004; TOPMed 0.00002; ESP Exome Variant Server 0.00008.
gnomAD v4.1: 56 of 1,604,690 alleles (0.0035%); highest among the groups gnomAD compares: Non-Finnish European, 0.0047%; no homozygotes.

Submissions (2):

PreventionGenetics, part of Exact Sciences
Classification: Likely benign for CYP7A1-related condition. Last evaluated: 2025-08-13. Review status: criteria provided, single submitter. Criteria: ACMG Guidelines, 2015. Collection method: clinical testing. Allele origin: germline.
Comment: This variant is classified as likely benign based on ACMG/AMP sequence variant interpretation guidelines (Richards et al. 2015 PMID: 25741868, with internal and published modifications).

Eurofins Ntd Llc (ga)
Classification: Uncertain significance. Last evaluated: 2018-03-19. Review status: criteria provided, single submitter. Criteria: EGL ClinVar v180209 classification definitions. Collection method: clinical testing. Allele origin: germline. Observed: 1 variant allele, 1 heterozygote.